The following is an entry in ClinVar:

NM_018943.3(TUBA8):c.857T>C (p.Leu286Pro)

Gene: TUBA8 (tubulin alpha 8; plus strand). Cytogenetic location: 22q11.21.
Variant type: single nucleotide variant.
Coding change: c.857T>C on transcript NM_018943.3 (MANE Select); coding-DNA position 857, T replaced by C.
Protein change: p.Leu286Pro; replaces leucine 286 with proline.
Molecular consequence: missense variant.
Genome position (GRCh38, 1-based): chr22:18,126,835, T>C. VCF-style: chr22-18126835-T-C. GRCh37 (hg19) VCF-style: chr22-18609602-T-C.
Other names: c.659T>C, p.Leu220Pro (NM_001193414.2); short protein forms L220P, L286P.
Identifiers: ClinVar variation 1417170 (VCV001417170.8), dbSNP rs1267541581, ClinGen allele CA410264638.

ClinVar aggregate classification (germline): Uncertain significance (1 of 4 stars; one submission).

Allele frequency attached by ClinVar (database versions not stated): gnomAD exomes below 0.00001 and 0.00001; gnomAD 0.00001; TOPMed 0.00001.
gnomAD v4.1: 9 of 1,612,668 alleles (0.00056%); highest among the groups gnomAD compares: Non-Finnish European, 0.00076%; no homozygotes.

Submission:

Labcorp Genetics (formerly Invitae), Labcorp
Classification: Uncertain significance. Last evaluated: 2021-03-26. Review status: criteria provided, single submitter. Criteria: Invitae Variant Classification Sherloc (09022015). Collection method: clinical testing. Allele origin: germline.
Comment: Algorithms developed to predict the effect of missense changes on protein structure and function (SIFT, PolyPhen-2, Align-GVGD) all suggest that this variant is likely to be disruptive, but these predictions have not been confirmed by published functional studies and their clinical significance is uncertain. In summary, the available evidence is currently insufficient to determine the role of this variant in disease. Therefore, it has been classified as a Variant of Uncertain Significance. This variant has not been reported in the literature in individuals with TUBA8-related conditions. This sequence change replaces leucine with proline at codon 286 of the TUBA8 protein (p.Leu286Pro). The leucine residue is highly conserved and there is a moderate physicochemical difference between leucine and proline. This variant is not present in population databases (ExAC no frequency).